The following is an entry in ClinVar:

NM_002249.6(KCNN3):c.200AGC[10] (p.Gln77_Gln80del)

Gene: KCNN3 (potassium calcium-activated channel subfamily N member 3; minus strand). Cytogenetic location: 1q21.3.
Variant type: Microsatellite.
Coding change: c.200AGC[10] on transcript NM_002249.6 (MANE Select); ten copies in a row of the 3-base unit AGC starting at c.200; the reference has 14 copies in a row; four copies, 12 bases deleted.
Protein change: p.Gln77_Gln80del.
Molecular consequence: inframe deletion.
Genome position (GRCh38, 1-based): chr1:154,869,724-154,869,735, GCTGCTGCTGCT deleted on the plus strand (AGCAGCAGCAGC on the coding strand, the reverse complement: KCNN3 is on the minus strand); deleting any 12 consecutive bases within chr1:154,869,724-154,869,766 gives the same sequence; the position shown is the placement nearest the transcript's 3' end. VCF-style (leftmost placement, unchanged base first): chr1-154869723-GGCTGCTGCTGCT-G. GRCh37 (hg19) VCF-style: chr1-154842199-GGCTGCTGCTGCT-G.
Other names: c.200AGC[10], p.Gln77_Gln80del (NM_001204087.2).
Identifiers: ClinVar variation 1685397 (VCV001685397.25), dbSNP rs3831942, ClinGen allele CA889598072.

ClinVar aggregate classification (germline): Benign/Likely benign. Review status: criteria provided, multiple submitters, no conflicts (2 of 4 stars). 2 submissions from 2 submitters: Benign (1); Likely benign (1). Last evaluated 2026-09-01.

Submissions (2):

CeGaT Center for Human Genetics Tuebingen
Classification: Likely benign. Last evaluated: 2026-09-01. Review status: criteria provided, single submitter. Criteria: CeGaT Center For Human Genetics Tuebingen Variant Classification Criteria Version 2. Collection method: clinical testing. Allele origin: germline. Affected: yes. Observed: 3 variant alleles.
Comment: KCNN3: BS1

Mendelics
Classification: Benign. Last evaluated: 2022-05-04. Review status: criteria provided, single submitter. Criteria: Mendelics Assertion Criteria 2019. Collection method: clinical testing. Allele origin: germline.